The following is an entry in ClinVar:

NM_024079.5(ALG8):c.469A>G (p.Ile157Val)

Gene: ALG8 (ALG8 alpha-1,3-glucosyltransferase; minus strand). Cytogenetic location: 11q14.1.
Variant type: single nucleotide variant.
Coding change: c.469A>G on transcript NM_024079.5 (MANE Select); coding-DNA position 469, A replaced by G.
Protein change: p.Ile157Val; replaces isoleucine 157 with valine.
Molecular consequence: missense variant.
Genome position (GRCh38, 1-based): chr11:78,121,074, T>C on the plus strand (A>G on the coding strand, the complement: ALG8 is on the minus strand). VCF-style: chr11-78121074-T-C. GRCh37 (hg19) VCF-style: chr11-77832120-T-C.
Other names: c.469A>G, p.Ile157Val (NM_001007027.3); short protein forms I157V.
Identifiers: ClinVar variation 1690806 (VCV001690806.2), dbSNP rs2136919576, ClinGen allele CA382119102.
Genomic context (GRCh38, chr11:78,121,074, plus strand): 5'-TAGTATACATCAGAATTAGTAAGGGAATAGTACATAGAATATCAAGGATACGGTCCACAA[T>C]TAATAACCCGAAGTTCCACAGAAGTAATACCGACAGAATAAATTTTGGCTTTTCTGTAAG-3'
Protein context (NP_076984.2, residues 147-167): VLLLWNFGLL[Ile157Val]VDHIHFQYNG

ClinVar aggregate classification (germline): Uncertain significance (1 of 4 stars; one submission).

Allele frequency attached by ClinVar (database versions not stated): gnomAD exomes below 0.00001.

Submission:

Laboratorio de Genetica e Diagnostico Molecular, Hospital Israelita Albert Einstein
Classification: Uncertain significance. Last evaluated: 2020-02-14. Review status: criteria provided, single submitter. Criteria: ACMG Guidelines, 2015. Collection method: clinical testing. Allele origin: germline. Affected: yes.
Comment: ACMG classification criteria: PM2